The following is an entry in ClinVar:

ClinVar aggregate classification (germline): Uncertain significance. Review status: criteria provided, multiple submitters, no conflicts (2 of 4 stars). 2 submissions from 2 submitters: Uncertain significance (2). Last evaluated 2025-08-22.

Conditions:
Inborn genetic diseases. Identifiers: MedGen C0950123, MeSH D030342.
Spastic paraplegia. Identifiers: MedGen C0037772, HP:0001258.

Allele frequency attached by ClinVar (database versions not stated): gnomAD 0.00001.
gnomAD v4.1: 6 of 1,609,074 alleles (0.00037%); highest among the groups gnomAD compares: Admixed American, 0.0017%; no homozygotes.

Submissions (2):

Labcorp Genetics (formerly Invitae), Labcorp
Classification: Uncertain significance for Spastic paraplegia. Last evaluated: 2025-08-22. Review status: criteria provided, single submitter. Criteria: Invitae Variant Classification Sherloc (09022015). Collection method: clinical testing. Allele origin: germline.
Comment: This sequence change replaces isoleucine, which is neutral and non-polar, with methionine, which is neutral and non-polar, at codon 435 of the KIF5A protein (p.Ile435Met). This variant is present in population databases (no rsID available, gnomAD 0.007%). This variant has not been reported in the literature in individuals affected with KIF5A-related conditions. ClinVar contains an entry for this variant (Variation ID: 1987260). Invitae Evidence Modeling of protein sequence and biophysical properties (such as structural, functional, and spatial information, amino acid conservation, physicochemical variation, residue mobility, and thermodynamic stability) has been performed for this missense variant. However, the output from this modeling did not meet the statistical confidence thresholds required to predict the impact of this variant on KIF5A protein function. In summary, the available evidence is currently insufficient to determine the role of this variant in disease. Therefore, it has been classified as a Variant of Uncertain Significance.

Ambry Genetics
Classification: Uncertain significance for Inborn genetic diseases. Last evaluated: 2024-12-25. Review status: criteria provided, single submitter. Criteria: Ambry Variant Classification Scheme 2023. Collection method: clinical testing. Allele origin: germline.

NM_004984.4(KIF5A):c.1305C>G (p.Ile435Met)

Gene: KIF5A (kinesin family member 5A; plus strand). Cytogenetic location: 12q13.3.
Variant type: single nucleotide variant.
Coding change: c.1305C>G on transcript NM_004984.4 (MANE Select); coding-DNA position 1305, C replaced by G.
Protein change: p.Ile435Met; replaces isoleucine 435 with methionine.
Molecular consequence: missense variant.
Genome position (GRCh38, 1-based): chr12:57,571,332, C>G. VCF-style: chr12-57571332-C-G. GRCh37 (hg19) VCF-style: chr12-57965115-C-G.
Other names: c.1038C>G, p.Ile346Met (NM_001354705.2); c.1305C>G (NM_004984.2); short protein forms I346M, I435M.
Identifiers: ClinVar variation 1987260 (VCV001987260.5), dbSNP rs1267848296, ClinGen allele CA385504825.